The following is an entry in ClinVar:

NM_001267550.2(TTN):c.44816C>G (p.Pro14939Arg)

Gene: TTN (titin; minus strand). Cytogenetic location: 2q31.2.
Variant type: single nucleotide variant.
Coding change: c.44816C>G on transcript NM_001267550.2 (MANE Select); coding-DNA position 44816, C replaced by G.
Protein change: p.Pro14939Arg; replaces proline 14939 with arginine.
Molecular consequence: missense variant.
Genome position (GRCh38, 1-based): chr2:178,622,767, G>C on the plus strand (C>G on the coding strand, the complement: TTN is on the minus strand). VCF-style: chr2-178622767-G-C. GRCh37 (hg19) VCF-style: chr2-179487494-G-C.
Other names: c.39893C>G, p.Pro13298Arg (NM_001256850.1); c.17621C>G, p.Pro5874Arg (NM_003319.4); c.37112C>G, p.Pro12371Arg (NM_133378.4); c.17996C>G, p.Pro5999Arg (NM_133432.3); c.18197C>G, p.Pro6066Arg (NM_133437.4); short protein forms P12371R, P13298R, P14939R, P5874R, P5999R, P6066R.
Identifiers: ClinVar variation 928987 (VCV000928987.25), dbSNP rs1186119697, ClinGen allele CA349639109.
Genomic context (GRCh38, chr2:178,622,767, plus strand): 5'-GCCATTTCTTTTTCTCTAACTTGAAGGTCGGTGAGTGGTCTTAAGAATTCCACATGAGGA[G>C]CTGTAAGAGAATGTCATCAGAATTCAAAATGAGGTTTCTGGAAATTTACTCTGACATTAC-3'
Protein context (NP_001254479.2, residues 14929-14949): FKTSCNLNVV[Pro14939Arg]PHVEFLRPLT

ClinVar aggregate classification (germline): Uncertain significance. Review status: criteria provided, multiple submitters, no conflicts (2 of 4 stars). 2 submissions from 2 submitters: Uncertain significance (2). Last evaluated 2023-08-01.

Allele frequency attached by ClinVar (database versions not stated): TOPMed below 0.00001; gnomAD 0.00001; gnomAD exomes 0.00001.
gnomAD v4.1: 4 of 1,594,174 alleles (0.00025%); highest among the groups gnomAD compares: Non-Finnish European, 0.00034%; no homozygotes.

Submissions (2):

CeGaT Center for Human Genetics Tuebingen
Classification: Uncertain significance. Last evaluated: 2023-08-01. Review status: criteria provided, single submitter. Criteria: CeGaT Center For Human Genetics Tuebingen Variant Classification Criteria Version 2. Collection method: clinical testing. Allele origin: germline. Affected: yes. Observed: 1 variant allele.
Comment: TTN: PM2

Women's Health and Genetics/Laboratory Corporation of America, LabCorp
Classification: Uncertain significance. Last evaluated: 2019-11-25. Review status: criteria provided, single submitter. Criteria: LabCorp Variant Classification Summary - May 2015. Collection method: clinical testing. Allele origin: germline.
Comment: Variant summary: TTN c.37112C>G (p.Pro12371Arg) results in a non-conservative amino acid change located in the I-band region of the encoded protein sequence. Three of five in-silico tools predict a damaging effect of the variant on protein function. The variant also alters a conserved nucleotide located as the first exonic nucleotide in the exonic-splice region (exon-intron boundary) of the TTN gene. 4/4 computational tools predict no significant impact on normal splicing. However, these predictions have yet to be confirmed by functional studies. The variant was absent in 223266 control chromosomes. The available data on variant occurrences in the general population are insufficient to allow any conclusion about variant significance. To our knowledge, no occurrence of c.37112C>G in individuals affected with Cardiomyopathy and no experimental evidence demonstrating its impact on protein function have been reported. No clinical diagnostic laboratories have submitted clinical-significance assessments for this variant to ClinVar after 2014. Based on the evidence outlined above, the variant was classified as uncertain significance.